The following is an entry in ClinVar:

ClinVar aggregate classification (germline): Benign. Review status: criteria provided, multiple submitters, no conflicts (2 of 4 stars). 3 submissions from 3 submitters: Benign (2). 1 of the submissions does not count toward it. Last evaluated 2018-02-09.

Conditions:
ZP2-related disorder. Also called: ZP2-related condition.

Allele frequency attached by ClinVar (database versions not stated): gnomAD exomes 0.00029 and 0.00072; ExAC 0.00091; 1000 Genomes Project 30x 0.00172; 1000 Genomes Project 0.00180; gnomAD 0.00289 and 0.00323; TOPMed 0.00330; ESP Exome Variant Server 0.00385.
gnomAD v4.1: 902 of 1,614,126 alleles (0.056%); highest among the groups gnomAD compares: African/African-American, 1%; 2 homozygotes.

Submissions (3):

Labcorp Genetics (formerly Invitae), Labcorp
Classification: Benign. Last evaluated: 2018-02-09. Review status: criteria provided, single submitter. Criteria: Invitae Variant Classification Sherloc (09022015). Collection method: clinical testing. Allele origin: germline.

Breakthrough Genomics
Classification: Benign. Review status: criteria provided, single submitter. Criteria: ACMG Guidelines, 2015. Collection method: not provided. Allele origin: germline. Inheritance: Autosomal recessive inheritance. Affected: yes.

PreventionGenetics, part of Exact Sciences
Classification: Benign for ZP2-related condition. Last evaluated: 2019-05-28. Review status: no assertion criteria provided. Collection method: clinical testing. Allele origin: germline. Not counted in ClinVar's aggregate classification.
Comment: This variant is classified as benign based on ACMG/AMP sequence variant interpretation guidelines (Richards et al. 2015 PMID: 25741868, with internal and published modifications).

NM_001376232.1(ZP2):c.460A>G (p.Ile154Val)

Gene: ZP2 (zona pellucida glycoprotein 2; minus strand). Cytogenetic location: 16p12.2.
Variant type: single nucleotide variant.
Coding change: c.460A>G on transcript NM_001376232.1 (MANE Select); coding-DNA position 460, A replaced by G.
Protein change: p.Ile154Val; replaces isoleucine 154 with valine.
Molecular consequence: missense variant. On other transcripts: non-coding transcript variant (1).
Genome position (GRCh38, 1-based): chr16:21,206,861, T>C on the plus strand (A>G on the coding strand, the complement: ZP2 is on the minus strand). VCF-style: chr16-21206861-T-C. GRCh37 (hg19) VCF-style: chr16-21218182-T-C.
Other names: c.460A>G, p.Ile154Val (NM_001376231.1, NM_001376233.1, NM_003460.2); short protein forms I154V.
Identifiers: ClinVar variation 714693 (VCV000714693.6), dbSNP rs145329860, ClinGen allele CA7950066.